The following is an entry in ClinVar:

ClinVar aggregate classification (germline): Uncertain significance (1 of 4 stars; one submission).

Conditions:
Familial hemophagocytic lymphohistiocytosis 5. Also called: STXBP2-Related Familial Hemophagocytic Lymphohistiocytosis (STXBP2-fHLH). Identifiers: Orphanet 540, MedGen C2751293, MONDO:0013135, OMIM 613101.

Allele frequency attached by ClinVar (database versions not stated): gnomAD exomes below 0.00001.
gnomAD v4.1: 2 of 1,614,186 alleles (0.00012%); highest among the groups gnomAD compares: Non-Finnish European, 0.00017%; no homozygotes.

Submission:

Labcorp Genetics (formerly Invitae), Labcorp
Classification: Uncertain significance for Familial hemophagocytic lymphohistiocytosis 5. Last evaluated: 2022-07-18. Review status: criteria provided, single submitter. Criteria: Invitae Variant Classification Sherloc (09022015). Collection method: clinical testing. Allele origin: germline.
Comment: In summary, the available evidence is currently insufficient to determine the role of this variant in disease. Therefore, it has been classified as a Variant of Uncertain Significance. Algorithms developed to predict the effect of missense changes on protein structure and function (SIFT, PolyPhen-2, Align-GVGD) all suggest that this variant is likely to be tolerated. ClinVar contains an entry for this variant (Variation ID: 1445760). This variant has not been reported in the literature in individuals affected with STXBP2-related conditions. This variant is present in population databases (no rsID available, gnomAD 0.0009%). This sequence change replaces glycine, which is neutral and non-polar, with arginine, which is basic and polar, at codon 93 of the STXBP2 protein (p.Gly93Arg).

NM_006949.4(STXBP2):c.277G>A (p.Gly93Arg)

Gene: STXBP2 (syntaxin binding protein 2; plus strand). Cytogenetic location: 19p13.2.
Variant type: single nucleotide variant.
Coding change: c.277G>A on transcript NM_006949.4 (MANE Select); coding-DNA position 277, G replaced by A.
Protein change: p.Gly93Arg; replaces glycine 93 with arginine.
Molecular consequence: missense variant. On other transcripts: non-coding transcript variant (1).
Genome position (GRCh38, 1-based): chr19:7,640,761, G>A. VCF-style: chr19-7640761-G-A. GRCh37 (hg19) VCF-style: chr19-7705647-G-A.
Other names: c.268G>A, p.Gly90Arg (NM_001127396.3); c.310G>A, p.Gly104Arg (NM_001272034.2); short protein forms G104R, G90R, G93R.
Identifiers: ClinVar variation 1445760 (VCV001445760.6), dbSNP rs1428524496, ClinGen allele CA403157451.